The following is an entry in ClinVar:

NM_005732.4(RAD50):c.3080_3081del (p.Arg1027fs)

Gene: RAD50 (RAD50 double strand break repair protein; plus strand). Cytogenetic location: 5q31.1.
Variant type: Deletion.
Coding change: c.3080_3081del on transcript NM_005732.4 (MANE Select); coding-DNA positions 3080 to 3081, 2 bases deleted (GA; older notation c.3080_3081delGA).
Protein change: p.Arg1027fs; shifts the reading frame from arginine 1027.
Molecular consequence: frameshift variant.
Genome position (GRCh38, 1-based): chr5:132,616,046-132,616,047, GA deleted; deleting any 2 consecutive bases within chr5:132,616,045-132,616,047 gives the same sequence; the c. name uses the placement nearest the transcript's 3' end. VCF-style (leftmost placement, unchanged base first): chr5-132616044-AAG-A. GRCh37 (hg19) VCF-style: chr5-131951736-AAG-A.
Other names: short protein forms R1027fs.
Identifiers: ClinVar variation 1412707 (VCV001412707.6), dbSNP rs2149852945, ClinGen allele CA2573138945.
Genomic context (GRCh38, chr5:132,616,044, plus strand): 5'-ATTTAATGTTTACCTTTAGATACAAGAAAGGTGGCTACAAGATAACCTTACTTTAAGAAA[AAG>A]AAATGAGGAACTAAAAGAAGTTGAAGAAGAAAGAAAACAACATTTGAAGGAAATGGGTCA-3'

ClinVar aggregate classification (germline): Pathogenic (1 of 4 stars; one submission).

Conditions:
Hereditary cancer-predisposing syndrome. Also called: Hereditary Cancer Syndrome; Tumor predisposition; Hereditary neoplastic syndrome; Neoplastic Syndromes, Hereditary. Identifiers: Orphanet 140162, MedGen C0027672, MeSH D009386, MONDO:0015356.

Submission:

Labcorp Genetics (formerly Invitae), Labcorp
Classification: Pathogenic for Hereditary cancer-predisposing syndrome. Last evaluated: 2021-10-18. Review status: criteria provided, single submitter. Criteria: Invitae Variant Classification Sherloc (09022015). Collection method: clinical testing. Allele origin: germline.
Comment: This sequence change creates a premature translational stop signal (p.Arg1027Lysfs*2) in the RAD50 gene. It is expected to result in an absent or disrupted protein product. Loss-of-function variants in RAD50 are known to be pathogenic (PMID: 19409520). For these reasons, this variant has been classified as Pathogenic. This variant has not been reported in the literature in individuals affected with RAD50-related conditions. This variant is not present in population databases (gnomAD no frequency).

Literature cited by the submitters: PubMed 19409520.